The following is an entry in ClinVar:

ClinVar aggregate classification (germline): Pathogenic (1 of 4 stars; one submission).

Submission:

Labcorp Genetics (formerly Invitae), Labcorp
Classification: Pathogenic. Last evaluated: 2023-12-17. Review status: criteria provided, single submitter. Criteria: Invitae Variant Classification Sherloc (09022015). Collection method: clinical testing. Allele origin: germline.
Comment: This sequence change creates a premature translational stop signal (p.Gly1489Lysfs*7) in the MYO18B gene. It is expected to result in an absent or disrupted protein product. Loss-of-function variants in MYO18B are known to be pathogenic (PMID: 25748484, 32184166, 32637634). This variant is not present in population databases (gnomAD no frequency). This variant has not been reported in the literature in individuals affected with MYO18B-related conditions. Algorithms developed to predict the effect of sequence changes on RNA splicing suggest that this variant may disrupt the consensus splice site. For these reasons, this variant has been classified as Pathogenic.

Literature cited by the submitters: PubMed 25748484; PubMed 32184166; PubMed 32637634.

NM_032608.7(MYO18B):c.4458_4464dup (p.Gly1489fs)

Genes: MYO18B (myosin XVIIIB; plus strand), MYO18B-AS1 (MYO18B antisense RNA 1; minus strand). Cytogenetic location: 22q12.1.
Variant type: Duplication.
Coding change: c.4458_4464dup on transcript NM_032608.7 (MANE Select); coding-DNA positions 4458 to 4464, 7 bases duplicated (AAAACTG; older notation c.4458_4464dupAAAACTG).
Protein change: p.Gly1489fs; shifts the reading frame from glycine 1489.
Molecular consequence: frameshift variant.
Genome position (GRCh38, 1-based): chr22:25,891,327-25,891,333, AAAACTG duplicated. VCF-style (leftmost placement, unchanged base first): chr22-25891326-A-AAAAACTG. GRCh37 (hg19) VCF-style: chr22-26287293-A-AAAAACTG.
Other names: c.4461_4467dup, p.Gly1490fs (NM_001318245.2); short protein forms G1490fs, G1489fs.
Identifiers: ClinVar variation 2703739 (VCV002703739.3), dbSNP rs2517792090, ClinGen allele CA2697552590.
Genomic context (GRCh38, chr22:25,891,326, plus strand): 5'-GTCCAGCTCTAGTTTAGACCTTGAGCCCTTTCTTCTAGAGCAAGCATGAACAAGTCCAGA[A>AAAAACTG]AAAACTGGGAGATGTGAATAAACAGTTGGAAGAAGCCCAGCAGAAAATTCAGTTGAATGA-3'